The following is an entry in ClinVar:

ClinVar aggregate classification (germline): Uncertain significance (1 of 4 stars; one submission).

Conditions:
Joubert syndrome 21 (JBTS21). Identifiers: MedGen C3810212, MONDO:0014288, OMIM 615636.

Allele frequency attached by ClinVar (database versions not stated): gnomAD exomes below 0.00001; ExAC 0.00001; ESP Exome Variant Server 0.00008.

Submission:

Labcorp Genetics (formerly Invitae), Labcorp
Classification: Uncertain significance for Joubert syndrome 21. Last evaluated: 2019-05-13. Review status: criteria provided, single submitter. Criteria: Invitae Variant Classification Sherloc (09022015). Collection method: clinical testing. Allele origin: germline.
Comment: This sequence change replaces valine with leucine at codon 463 of the CSPP1 protein (p.Val463Leu). The valine residue is moderately conserved and there is a small physicochemical difference between valine and leucine. This variant is present in population databases (rs376880257, ExAC 0.001%). This variant has not been reported in the literature in individuals with CSPP1-related conditions. Algorithms developed to predict the effect of missense changes on protein structure and function (SIFT, PolyPhen-2, Align-GVGD) all suggest that this variant is likely to be tolerated, but these predictions have not been confirmed by published functional studies and their clinical significance is uncertain. In summary, the available evidence is currently insufficient to determine the role of this variant in disease. Therefore, it has been classified as a Variant of Uncertain Significance.

NM_001382391.1(CSPP1):c.1402G>C (p.Val468Leu)

Gene: CSPP1 (centrosome and spindle pole associated protein 1; plus strand). Cytogenetic location: 8q13.2.
Variant type: single nucleotide variant.
Coding change: c.1402G>C on transcript NM_001382391.1 (MANE Select); coding-DNA position 1402, G replaced by C.
Protein change: p.Val468Leu; replaces valine 468 with leucine.
Molecular consequence: missense variant.
Genome position (GRCh38, 1-based): chr8:67,116,028, G>C. VCF-style: chr8-67116028-G-C. GRCh37 (hg19) VCF-style: chr8-68028263-G-C.
Other names: c.505G>C, p.Val169Leu (NM_001291339.2); c.1321G>C, p.Val441Leu (NM_001363131.2); c.1360G>C, p.Val454Leu (NM_001363132.2); c.1279G>C, p.Val427Leu (NM_001363133.2); c.1468G>C, p.Val490Leu (NM_001364869.1); c.1288G>C, p.Val430Leu (NM_001364870.1); c.1387G>C, p.Val463Leu (NM_024790.7); short protein forms V441L, V430L, V454L, V490L, V169L, V427L, V463L, V468L.
Identifiers: ClinVar variation 834220 (VCV000834220.9), dbSNP rs376880257, ClinGen allele CA4770531.